The following is an entry in ClinVar:

ClinVar aggregate classification (germline): Uncertain significance (1 of 4 stars; one submission).

Submission:

Labcorp Genetics (formerly Invitae), Labcorp
Classification: Uncertain significance. Last evaluated: 2025-05-04. Review status: criteria provided, single submitter. Criteria: Invitae Variant Classification Sherloc (09022015). Collection method: clinical testing. Allele origin: germline.
Comment: This sequence change replaces aspartic acid, which is acidic and polar, with tyrosine, which is neutral and polar, at codon 635 of the TNRC6B protein (p.Asp635Tyr). This variant is not present in population databases (gnomAD no frequency). This variant has not been reported in the literature in individuals affected with TNRC6B-related conditions. An algorithm developed to predict the effect of missense changes on protein structure and function (PolyPhen-2) suggests that this variant is likely to be disruptive. In summary, the available evidence is currently insufficient to determine the role of this variant in disease. Therefore, it has been classified as a Variant of Uncertain Significance.

NM_001162501.2(TNRC6B):c.1903G>T (p.Asp635Tyr)

Gene: TNRC6B (trinucleotide repeat containing adaptor 6B; plus strand). Cytogenetic location: 22q13.1.
Variant type: single nucleotide variant.
Coding change: c.1903G>T on transcript NM_001162501.2 (MANE Select); coding-DNA position 1903, G replaced by T.
Protein change: p.Asp635Tyr; replaces aspartic acid 635 with tyrosine.
Molecular consequence: missense variant. On other transcripts: intron variant (1).
Genome position (GRCh38, 1-based): chr22:40,266,133, G>T. VCF-style: chr22-40266133-G-T. GRCh37 (hg19) VCF-style: chr22-40662137-G-T.
Other names: c.1903G>T, p.Asp635Tyr (NM_015088.3); c.565+3960G>T (NM_001024843.2); short protein forms D635Y.
Identifiers: ClinVar variation 4718897 (VCV004718897.1).
Genomic context (GRCh38, chr22:40,266,133, plus strand): 5'-CCCAGGGTGCTCTCAAACACTGGCTGGGGCCAAACTCAAATTAAGCAGGACACAGTGTGG[G>T]ACATTGAAGAGGTGCCAAGGCCTGAGGGGAAATCTGACAAAGGAACTGAGGGGTGGGAGA-3'
Protein context (NP_001155973.1, residues 625-645): QTQIKQDTVW[Asp635Tyr]IEEVPRPEGK